The following is an entry in ClinVar:

NM_001042517.2(DIAPH3):c.2480G>T (p.Cys827Phe)

Gene: DIAPH3 (diaphanous related formin 3; minus strand). Cytogenetic location: 13q21.2.
Variant type: single nucleotide variant.
Coding change: c.2480G>T on transcript NM_001042517.2 (MANE Select); coding-DNA position 2480, G replaced by T.
Protein change: p.Cys827Phe; replaces cysteine 827 with phenylalanine.
Molecular consequence: missense variant.
Genome position (GRCh38, 1-based): chr13:59,879,356, C>A on the plus strand (G>T on the coding strand, the complement: DIAPH3 is on the minus strand). VCF-style: chr13-59879356-C-A. GRCh37 (hg19) VCF-style: chr13-60453490-C-A.
Other names: c.2447G>T, p.Cys816Phe (NM_001258366.2); c.2342G>T, p.Cys781Phe (NM_001258367.2); c.2270G>T, p.Cys757Phe (NM_001258368.2); c.2480G>T, p.Cys827Phe (NM_001258369.2); c.1691G>T, p.Cys564Phe (NM_001258370.2, NM_030932.4); short protein forms C757F, C781F, C816F, C564F, C827F.
Identifiers: ClinVar variation 1484163 (VCV001484163.6), dbSNP rs2044848531, ClinGen allele CA388330343.

ClinVar aggregate classification (germline): Uncertain significance (1 of 4 stars; one submission).

Submission:

Labcorp Genetics (formerly Invitae), Labcorp
Classification: Uncertain significance. Last evaluated: 2022-03-04. Review status: criteria provided, single submitter. Criteria: Invitae Variant Classification Sherloc (09022015). Collection method: clinical testing. Allele origin: germline.
Comment: In summary, the available evidence is currently insufficient to determine the role of this variant in disease. Therefore, it has been classified as a Variant of Uncertain Significance. Algorithms developed to predict the effect of missense changes on protein structure and function (SIFT, PolyPhen-2, Align-GVGD) all suggest that this variant is likely to be disruptive. This variant has not been reported in the literature in individuals affected with DIAPH3-related conditions. This variant is not present in population databases (gnomAD no frequency). This sequence change replaces cysteine, which is neutral and slightly polar, with phenylalanine, which is neutral and non-polar, at codon 827 of the DIAPH3 protein (p.Cys827Phe).